The following is an entry in ClinVar:

ClinVar aggregate classification (germline): Uncertain significance (1 of 4 stars; one submission).

Allele frequency attached by ClinVar (database versions not stated): gnomAD exomes below 0.00001.
gnomAD v4.1: 1 of 1,614,056 alleles (0.000062%); highest among the groups gnomAD compares: Non-Finnish European, 0.000085%; no homozygotes.

Submission:

HudsonAlpha Institute for Biotechnology
Classification: Uncertain significance. Last evaluated: 2021-02-19. Review status: criteria provided, single submitter. Criteria: ACMG Guidelines, 2015. Collection method: research. Allele origin: de novo. Observed: 1 variant allele. Study: CSER-SouthSeq.
Comment: ACMG codes:PM2, PP3

NM_001384574.2(SAMD4B):c.1569G>C (p.Trp523Cys)

Gene: SAMD4B (sterile alpha motif domain containing 4B; plus strand). Cytogenetic location: 19q13.2.
Variant type: single nucleotide variant.
Coding change: c.1569G>C on transcript NM_001384574.2 (MANE Select); coding-DNA position 1569, G replaced by C.
Protein change: p.Trp523Cys; replaces tryptophan 523 with cysteine.
Molecular consequence: missense variant. On other transcripts: non-coding transcript variant (4).
Genome position (GRCh38, 1-based): chr19:39,380,004, G>C. VCF-style: chr19-39380004-G-C. GRCh37 (hg19) VCF-style: chr19-39870644-G-C.
Other names: c.1569G>C, p.Trp523Cys (NM_001303614.2, NM_001384565.1, NM_001384566.1 and 26 more transcripts); short protein forms W523C.
Identifiers: ClinVar variation 998174 (VCV000998174.1), dbSNP rs2077859510, ClinGen allele CA405761125.